The following is an entry in ClinVar:

NC_000002.12:g.(?_214728670)_(214781515_?)del

Genes: BARD1 (BRCA1 associated RING domain 1; minus strand), LOC129935540 (ATAC-STARR-seq lymphoblastoid active region 17070; plus strand), LOC129935541 (ATAC-STARR-seq lymphoblastoid active region 17071; plus strand). Cytogenetic location: 2q35.
Variant type: Deletion.
Identifiers: ClinVar variation 460644 (VCV000460644.2).

ClinVar aggregate classification (germline): Pathogenic (1 of 4 stars; one submission).

Conditions:
Familial cancer of breast. Also called: BREAST CANCER, FAMILIAL; hereditary breast carcinoma; Hereditary breast cancer. Identifiers: Orphanet 227535, MedGen C0346153, MONDO:0016419, OMIM 114480. Disease mechanism: loss of function.

Submission:

Labcorp Genetics (formerly Invitae), Labcorp
Classification: Pathogenic for Familial cancer of breast. Last evaluated: 2017-01-24. Review status: criteria provided, single submitter. Criteria: Invitae Variant Classification Sherloc (09022015). Collection method: clinical testing. Allele origin: germline.
Comment: This variant is a gross deletion of the genomic region encompassing exons 4-11 of the BARD1 gene. The 5' boundary is likely confined to intron 3. The 3' end of this event is unknown as it extends through the termination codon beyond the assayed region for this gene and may encompass additional genes. While this deletion is not anticipated to result in nonsense mediated decay, it is expected to create a truncated protein product or disrupt mRNA translation. While this particular variant has not been reported in the literature, truncating variants in BARD1 are known to be pathogenic (PMID: 21344236, 22006311, 20077502). Deletion of exons 7-11 removes the C-terminal BRCT domains of the BARD1 protein. Experimental studies have shown that the BRCT domains are required for BARD1 homology-directed repair activity and the maintenance of chromosomal stability in vitro (PMID: 17848578). For these reasons, this variant has been classified as Pathogenic.